The following is an entry in ClinVar:

ClinVar aggregate classification (germline): Likely benign. Review status: criteria provided, multiple submitters, no conflicts (2 of 4 stars). 2 submissions from 2 submitters: Likely benign (2). Last evaluated 2024-01-01.

Conditions:
Inborn genetic diseases. Identifiers: MedGen C0950123, MeSH D030342.

Allele frequency attached by ClinVar (database versions not stated): ExAC 0.00019; gnomAD 0.00024; gnomAD exomes 0.00030; 1000 Genomes Project 30x 0.00078.
gnomAD v4.1: 479 of 1,613,632 alleles (0.03%); highest among the groups gnomAD compares: East Asian, 0.065%; no homozygotes.

Submissions (2):

CeGaT Center for Human Genetics Tuebingen
Classification: Likely benign. Last evaluated: 2024-01-01. Review status: criteria provided, single submitter. Criteria: CeGaT Center For Human Genetics Tuebingen Variant Classification Criteria Version 2. Collection method: clinical testing. Allele origin: germline. Affected: yes. Observed: 1 variant allele.
Comment: FLG: BP4

Ambry Genetics
Classification: Likely benign for Inborn genetic diseases. Last evaluated: 2022-11-08. Review status: criteria provided, single submitter. Criteria: Ambry Variant Classification Scheme 2023. Collection method: clinical testing. Allele origin: germline.

NM_002016.2(FLG):c.11317T>C (p.Tyr3773His)

Genes: CCDST (cervical cancer associated DHX9 suppressive transcript; plus strand), FLG (filaggrin; minus strand). Cytogenetic location: 1q21.3.
Variant type: single nucleotide variant.
Coding change: c.11317T>C on transcript NM_002016.2 (MANE Select); coding-DNA position 11317, T replaced by C.
Protein change: p.Tyr3773His; replaces tyrosine 3773 with histidine.
Molecular consequence: missense variant.
Genome position (GRCh38, 1-based): chr1:152,303,569, A>G on the plus strand (T>C on the coding strand, the complement: FLG is on the minus strand). VCF-style: chr1-152303569-A-G. GRCh37 (hg19) VCF-style: chr1-152276045-A-G.
Other names: short protein forms Y3773H.
Identifiers: ClinVar variation 2393729 (VCV002393729.24), dbSNP rs200306807, ClinGen allele CA1102946.